The following is an entry in ClinVar:

NM_018699.4(PRDM5):c.1729-12G>A

Gene: PRDM5 (PR/SET domain 5; minus strand). Cytogenetic location: 4q27.
Variant type: single nucleotide variant.
Coding change: c.1729-12G>A on transcript NM_018699.4 (MANE Select); 12 bases into the intron before coding-DNA position 1729, G replaced by A.
Molecular consequence: intron variant.
Genome position (GRCh38, 1-based): chr4:120,695,287, C>T on the plus strand (G>A on the coding strand, the complement: PRDM5 is on the minus strand). VCF-style: chr4-120695287-C-T. GRCh37 (hg19) VCF-style: chr4-121616442-C-T.
Other names: c.*44-12G>A (NM_001300824.2); c.1531-12G>A (NM_001379106.1); c.1636-12G>A (NM_001300823.2); c.1762-12G>A (NM_001379104.1).
Identifiers: ClinVar variation 4777119 (VCV004777119.2).
Genomic context (GRCh38, chr4:120,695,287, plus strand): 5'-TCTTGTGTCGAATCAGCATTTTCTTCAGGCTAAAAGCCAAATCACAAACCTAGAAAAGAC[C>T]CAAAGACCAACCATATTATACTGAAATAAACAAAATTTATAAACAAAATTTAACACTCAC-3'

ClinVar aggregate classification (germline): Uncertain significance. Review status: criteria provided, multiple submitters, no conflicts (2 of 4 stars). 2 submissions from 2 submitters: Uncertain significance (2). Last evaluated 2026-05-19.

Submissions (2):

Women's Health and Genetics/Laboratory Corporation of America, LabCorp
Classification: Uncertain significance. Last evaluated: 2026-05-19. Review status: criteria provided, single submitter. Criteria: LabCorp Variant Classification Summary - May 2015. Collection method: clinical testing. Allele origin: germline.
Comment: Variant summary: PRDM5 c.1729-12G>A alters a non-conserved nucleotide located at a position not widely known to affect splicing. Several computational tools predict a significant impact on normal splicing: Two predict the variant abolishes a 3' acceptor site. Two predict the variant weakens a 3' acceptor site. One predict the variant no significant impact on splicing. However, these predictions have yet to be confirmed by functional studies. The variant allele was found at a frequency of 8e-06 in 250204 control chromosomes. The available data on variant occurrences in the general population are insufficient to allow any conclusion about variant significance. To our knowledge, no occurrence of c.1729-12G>A in individuals affected with PRDM5-related conditions and no experimental evidence demonstrating its impact on protein function have been reported. ClinVar contains an entry for this variant (Variation ID: 4777119). Based on the evidence outlined above, the variant was classified as uncertain significance.

Labcorp Genetics (formerly Invitae), Labcorp
Classification: Uncertain significance. Last evaluated: 2025-09-17. Review status: criteria provided, single submitter. Criteria: Invitae Variant Classification Sherloc (09022015). Collection method: clinical testing. Allele origin: germline.
Comment: This sequence change falls in intron 15 of the PRDM5 gene. It does not directly change the encoded amino acid sequence of the PRDM5 protein. This variant is present in population databases (rs764293706, gnomAD 0.002%). This variant has not been reported in the literature in individuals affected with PRDM5-related conditions. Algorithms developed to predict the effect of sequence changes on RNA splicing suggest that this variant may disrupt the consensus splice site. In summary, the available evidence is currently insufficient to determine the role of this variant in disease. Therefore, it has been classified as a Variant of Uncertain Significance.